The following is an entry in ClinVar:

ClinVar aggregate classification (germline): Conflicting classifications of pathogenicity. Review status: criteria provided, conflicting classifications (1 of 4 stars). 3 submissions from 3 submitters: Uncertain significance (1); Likely benign (1). 1 of the submissions does not count toward it. Last evaluated 2026-01-27.

Conditions:
Nemaline myopathy 10 (NEM10). Identifiers: MedGen C4015360, MONDO:0014513, OMIM 616165.
Inborn genetic diseases. Identifiers: MedGen C0950123, MeSH D030342.
LMOD3-related disorder. Also called: LMOD3-related condition.

Allele frequency attached by ClinVar (database versions not stated): 1000 Genomes Project 30x 0.00031; gnomAD 0.00048 and 0.00053; ESP Exome Variant Server 0.00066; TOPMed 0.00077; gnomAD exomes 0.00019 and 0.00023; 1000 Genomes Project 0.00020; ExAC 0.00029.

Submissions (3):

Labcorp Genetics (formerly Invitae), Labcorp
Classification: Likely benign for Nemaline myopathy 10. Last evaluated: 2026-01-27. Review status: criteria provided, single submitter. Criteria: Invitae Variant Classification Sherloc (09022015). Collection method: clinical testing. Allele origin: germline.

Ambry Genetics
Classification: Uncertain significance for Inborn genetic diseases. Last evaluated: 2021-08-09. Review status: criteria provided, single submitter. Criteria: Ambry Variant Classification Scheme 2023. Collection method: clinical testing. Allele origin: germline.

PreventionGenetics, part of Exact Sciences
Classification: Likely benign for LMOD3-related condition. Last evaluated: 2023-03-07. Review status: no assertion criteria provided. Collection method: clinical testing. Allele origin: germline. Not counted in ClinVar's aggregate classification.
Comment: This variant is classified as likely benign based on ACMG/AMP sequence variant interpretation guidelines (Richards et al. 2015 PMID: 25741868, with internal and published modifications).

NM_198271.5(LMOD3):c.416A>G (p.Asn139Ser)

Gene: LMOD3 (leiomodin 3; minus strand). Cytogenetic location: 3p14.1.
Variant type: single nucleotide variant.
Coding change: c.416A>G on transcript NM_198271.5 (MANE Select); coding-DNA position 416, A replaced by G.
Protein change: p.Asn139Ser; replaces asparagine 139 with serine.
Molecular consequence: missense variant.
Genome position (GRCh38, 1-based): chr3:69,119,939, T>C on the plus strand (A>G on the coding strand, the complement: LMOD3 is on the minus strand). VCF-style: chr3-69119939-T-C. GRCh37 (hg19) VCF-style: chr3-69169090-T-C.
Other names: c.416A>G, p.Asn139Ser (NM_001304418.3); c.416A>G (NM_198271.3); short protein forms N139S.
Identifiers: ClinVar variation 475321 (VCV000475321.14), dbSNP rs150380359, ClinGen allele CA2488991.